The following is an entry in ClinVar:

ClinVar aggregate classification (germline): Conflicting classifications of pathogenicity. Review status: criteria provided, conflicting classifications (1 of 4 stars). 2 submissions from 2 submitters: Uncertain significance (1); Likely benign (1). Last evaluated 2025-12-24.

Allele frequency attached by ClinVar (database versions not stated): TOPMed 0.00003; ExAC 0.00004; gnomAD exomes 0.00004 and 0.00012; gnomAD 0.00005 and 0.00006.
gnomAD v4.1: 177 of 1,614,056 alleles (0.011%); highest among the groups gnomAD compares: Non-Finnish European, 0.015%; no homozygotes.

Submissions (2):

Labcorp Genetics (formerly Invitae), Labcorp
Classification: Uncertain significance. Last evaluated: 2025-12-24. Review status: criteria provided, single submitter. Criteria: Invitae Variant Classification Sherloc (09022015). Collection method: clinical testing. Allele origin: germline.
Comment: This sequence change replaces aspartic acid, which is acidic and polar, with asparagine, which is neutral and polar, at codon 99 of the YWHAG protein (p.Asp99Asn). This variant is present in population databases (rs759611694, gnomAD 0.009%). This missense change has been observed in individual(s) with clinical features of YWHAG-related conditions (internal data). ClinVar contains an entry for this variant (Variation ID: 728033). Invitae Evidence Modeling of protein sequence and biophysical properties (such as structural, functional, and spatial information, amino acid conservation, physicochemical variation, residue mobility, and thermodynamic stability) indicates that this missense variant is not expected to disrupt YWHAG protein function with a negative predictive value of 80%. In summary, the available evidence is currently insufficient to determine the role of this variant in disease. Therefore, it has been classified as a Variant of Uncertain Significance.

Blueprint Genetics
Classification: Likely benign. Last evaluated: 2022-09-09. Review status: criteria provided, single submitter. Criteria: ACMG Guidelines, 2015. Collection method: clinical testing. Allele origin: germline.

NM_012479.4(YWHAG):c.295G>A (p.Asp99Asn)

Gene: YWHAG (tyrosine 3-monooxygenase/tryptophan 5-monooxygenase activation protein gamma; minus strand). Cytogenetic location: 7q11.23.
Variant type: single nucleotide variant.
Coding change: c.295G>A on transcript NM_012479.4 (MANE Select); coding-DNA position 295, G replaced by A.
Protein change: p.Asp99Asn; replaces aspartic acid 99 with asparagine.
Molecular consequence: missense variant.
Genome position (GRCh38, 1-based): chr7:76,330,026, C>T on the plus strand (G>A on the coding strand, the complement: YWHAG is on the minus strand). VCF-style: chr7-76330026-C-T. GRCh37 (hg19) VCF-style: chr7-75959343-C-T.
Other names: short protein forms D99N.
Identifiers: ClinVar variation 728033 (VCV000728033.9), dbSNP rs759611694, ClinGen allele CA4306550.